The following is an entry in ClinVar:

NM_004782.4(SNAP29):c.*2692C>T

Gene: SNAP29 (synaptosome associated protein 29; plus strand). Cytogenetic location: 22q11.21.
Variant type: single nucleotide variant.
Coding change: c.*2692C>T on transcript NM_004782.4 (MANE Select); 2692 bases downstream of the stop codon, C replaced by T.
Molecular consequence: 3 prime UTR variant.
Genome position (GRCh38, 1-based): chr22:20,890,528, C>T. VCF-style: chr22-20890528-C-T. GRCh37 (hg19) VCF-style: chr22-21244816-C-T.
Identifiers: ClinVar variation 340886 (VCV000340886.6), dbSNP rs148419415, ClinGen allele CA10645159.

ClinVar aggregate classification (germline): Benign. Review status: criteria provided, multiple submitters, no conflicts (2 of 4 stars). 2 submissions from 2 submitters: Benign (2). Last evaluated 2018-01-13.

Conditions:
CEDNIK syndrome. Also called: CEREBRAL DYSGENESIS, NEUROPATHY, ICHTHYOSIS, AND PALMOPLANTAR KERATODERMA SYNDROME; Cerebral dysgenesis, neuropathy, ichthyosis, and palmoplantar keratoderma. Identifiers: Orphanet 66631, MedGen C1836033, MONDO:0012290, OMIM 609528.

Allele frequency attached by ClinVar (database versions not stated): gnomAD 0.00545 and 0.00602; TOPMed 0.00830; gnomAD exomes 0.00889; 1000 Genomes Project 30x 0.01374; 1000 Genomes Project 0.01398.
gnomAD v4.1: 2,934 of 382,172 alleles (0.77%); highest among the groups gnomAD compares: East Asian, 4.5%; 30 homozygotes.

Submissions (2):

Illumina Laboratory Services, Illumina
Classification: Benign for CEDNIK syndrome. Last evaluated: 2018-01-13. Review status: criteria provided, single submitter. Criteria: ICSL Variant Classification Criteria 13 December 2019. Collection method: clinical testing. Allele origin: germline.
Comment: This variant was observed in the ICSL laboratory as part of a predisposition screen in an ostensibly healthy population. It had not been previously curated by ICSL or reported in the Human Gene Mutation Database (HGMD: prior to June 1st, 2018), and was therefore a candidate for classification through an automated scoring system. Utilizing variant allele frequency, disease prevalence and penetrance estimates, and inheritance mode, an automated score was calculated to assess if this variant is too frequent to cause the disease. Based on the score and internal cut-off values, a variant classified as benign is not then subjected to further curation. The score for this variant resulted in a classification of benign for this disease.

Breakthrough Genomics
Classification: Benign. Review status: criteria provided, single submitter. Criteria: ACMG Guidelines, 2015. Collection method: not provided. Allele origin: germline. Inheritance: Autosomal recessive inheritance. Affected: yes.